The following is an entry in ClinVar:

NM_005732.4(RAD50):c.872A>G (p.Glu291Gly)

Gene: RAD50 (RAD50 double strand break repair protein; plus strand). Cytogenetic location: 5q31.1.
Variant type: single nucleotide variant.
Coding change: c.872A>G on transcript NM_005732.4 (MANE Select); coding-DNA position 872, A replaced by G.
Protein change: p.Glu291Gly; replaces glutamic acid 291 with glycine.
Molecular consequence: missense variant.
Genome position (GRCh38, 1-based): chr5:132,587,677, A>G. VCF-style: chr5-132587677-A-G. GRCh37 (hg19) VCF-style: chr5-131923369-A-G.
Other names: short protein forms E291G.
Identifiers: ClinVar variation 1412579 (VCV001412579.8), dbSNP rs2149840471, ClinGen allele CA360940568.

ClinVar aggregate classification (germline): Uncertain significance (1 of 4 stars; one submission).

Conditions:
Hereditary cancer-predisposing syndrome. Also called: Hereditary Cancer Syndrome; Tumor predisposition; Hereditary neoplastic syndrome; Neoplastic Syndromes, Hereditary. Identifiers: Orphanet 140162, MedGen C0027672, MeSH D009386, MONDO:0015356.

Submission:

Labcorp Genetics (formerly Invitae), Labcorp
Classification: Uncertain significance for Hereditary cancer-predisposing syndrome. Last evaluated: 2022-11-22. Review status: criteria provided, single submitter. Criteria: Invitae Variant Classification Sherloc (09022015). Collection method: clinical testing. Allele origin: germline.
Comment: Algorithms developed to predict the effect of missense changes on protein structure and function (SIFT, PolyPhen-2, Align-GVGD) all suggest that this variant is likely to be tolerated. In summary, the available evidence is currently insufficient to determine the role of this variant in disease. Therefore, it has been classified as a Variant of Uncertain Significance. ClinVar contains an entry for this variant (Variation ID: 1412579). This variant has not been reported in the literature in individuals affected with RAD50-related conditions. This variant is not present in population databases (gnomAD no frequency). This sequence change replaces glutamic acid, which is acidic and polar, with glycine, which is neutral and non-polar, at codon 291 of the RAD50 protein (p.Glu291Gly).